The following is an entry in ClinVar:

NM_006393.3(NEBL):c.904-274G>C

Gene: NEBL (nebulette; minus strand). Cytogenetic location: 10p12.31.
Variant type: single nucleotide variant.
Coding change: c.904-274G>C on transcript NM_006393.3 (MANE Select); 274 bases into the intron before coding-DNA position 904, G replaced by C.
Molecular consequence: intron variant.
Genome position (GRCh38, 1-based): chr10:20,852,923, C>G on the plus strand (G>C on the coding strand, the complement: NEBL is on the minus strand). VCF-style: chr10-20852923-C-G. GRCh37 (hg19) VCF-style: chr10-21141852-C-G.
Other names: c.250-39983G>C (NM_001377326.1, NM_001377327.1, NM_001377328.1); c.358-39983G>C (NM_213569.2, NM_001173484.2, NM_001377322.1); c.301-39983G>C (NM_001377324.1); c.292-39983G>C (NM_001377325.1); c.310-39983G>C (NM_001377323.1).
Identifiers: ClinVar variation 683662 (VCV000683662.1), dbSNP rs703090, ClinGen allele CA204181938.
Genomic context (GRCh38, chr10:20,852,923, plus strand): 5'-GCAAGAGAGGCAGAGGACAATTAACCGCAAACATAATGTAAAGGATATTCACAACACCAG[C>G]GTGTGGCAACGGAAAGCTAGCGCTAGGACATGCGGAAAAAGGTAAAGTGGGGAAAAATAA-3'

ClinVar aggregate classification (germline): Benign (1 of 4 stars; one submission).

Allele frequency attached by ClinVar (database versions not stated): 1000 Genomes Project 30x 0.92598; TOPMed 0.95115; 1000 Genomes Project 0.92931.
gnomAD v4.1: 146,492 of 152,326 alleles (96%); highest among the groups gnomAD compares: Middle Eastern, 100%; 70,627 homozygotes.

Submission:

GeneDx
Classification: Benign. Last evaluated: 2018-06-18. Review status: criteria provided, single submitter. Criteria: GeneDx Variant Classification (06012015). Collection method: clinical testing. Allele origin: germline. Affected: yes.
Comment: This variant is considered likely benign or benign based on one or more of the following criteria: it is a conservative change, it occurs at a poorly conserved position in the protein, it is predicted to be benign by multiple in silico algorithms, and/or has population frequency not consistent with disease.